The following is an entry in ClinVar:

NM_002335.4(LRP5):c.4226G>A (p.Arg1409His)

Gene: LRP5 (LDL receptor related protein 5; plus strand). Cytogenetic location: 11q13.2.
Variant type: single nucleotide variant.
Coding change: c.4226G>A on transcript NM_002335.4 (MANE Select); coding-DNA position 4226, G replaced by A.
Protein change: p.Arg1409His; replaces arginine 1409 with histidine.
Molecular consequence: missense variant.
Genome position (GRCh38, 1-based): chr11:68,438,560, G>A. VCF-style: chr11-68438560-G-A. GRCh37 (hg19) VCF-style: chr11-68206028-G-A.
Other names: c.2483G>A, p.Arg828His (NM_001291902.2); c.4226G>A (NM_002335.2); short protein forms R828H, R1409H.
Identifiers: ClinVar variation 956032 (VCV000956032.13), dbSNP rs765378705, ClinGen allele CA6150284.

ClinVar aggregate classification (germline): Uncertain significance. Review status: criteria provided, multiple submitters, no conflicts (2 of 4 stars). 5 submissions from 5 submitters: Uncertain significance (4). 1 of the submissions does not count toward it. Last evaluated 2025-12-03.

Conditions:
Worth disease. Also called: ENDOSTEAL HYPEROSTOSIS, AUTOSOMAL DOMINANT; OSTEOSCLEROSIS, AUTOSOMAL DOMINANT; Autosomal dominant osteosclerosis, Worth type. Identifiers: Orphanet 2790, MedGen C0432273, MONDO:0007764, OMIM 144750.
Polycystic liver disease 4 with or without kidney cysts. Identifiers: MedGen C4693479, MONDO:0044327, OMIM 617875.
Exudative vitreoretinopathy 1 (EVR1). Also called: CRISWICK-SCHEPENS SYNDROME; FEVR, AUTOSOMAL DOMINANT; Familial exudative vitreoretinopathy, autosomal dominant. Identifiers: Orphanet 891, Orphanet 90050, MedGen C1851402, MONDO:0007589, OMIM 133780.
Autosomal dominant osteopetrosis 1 (OPTA1). Also called: OSTEOPETROSIS, AUTOSOMAL DOMINANT, TYPE I. Identifiers: Orphanet 2783, MedGen C1843330, MONDO:0011877, OMIM 607634.
Osteoporosis. Identifiers: MedGen C0029456, MONDO:0005298, OMIM 166710, HP:0000939.
Bone mineral density quantitative trait locus 1 (BMND1). Identifiers: MedGen C1866079, OMIM 601884.
Exudative vitreoretinopathy 4 (EVR4). Identifiers: Orphanet 891, MedGen C1866176, MONDO:0011151, OMIM 601813.
Osteoporosis with pseudoglioma (OPPG). Also called: osteoporosis-pseudoglioma syndrome. Identifiers: Orphanet 2788, MedGen C0432252, MONDO:0009820, OMIM 259770.
LRP5-related disorder. Also called: LRP5-related condition.
Inborn genetic diseases. Identifiers: MedGen C0950123, MeSH D030342.

Allele frequency attached by ClinVar (database versions not stated): gnomAD 0.00004; gnomAD exomes 0.00004; TOPMed 0.00005.
gnomAD v4.1: 61 of 1,614,128 alleles (0.0038%); highest among the groups gnomAD compares: Middle Eastern, 0.017%; no homozygotes.

Submissions (5):

Labcorp Genetics (formerly Invitae), Labcorp
Classification: Uncertain significance. Last evaluated: 2025-12-03. Review status: criteria provided, single submitter. Criteria: Invitae Variant Classification Sherloc (09022015). Collection method: clinical testing. Allele origin: germline.
Comment: This sequence change replaces arginine, which is basic and polar, with histidine, which is basic and polar, at codon 1409 of the LRP5 protein (p.Arg1409His). This variant is present in population databases (rs765378705, gnomAD 0.003%). This variant has not been reported in the literature in individuals affected with LRP5-related conditions. ClinVar contains an entry for this variant (Variation ID: 956032). Invitae Evidence Modeling of protein sequence and biophysical properties (such as structural, functional, and spatial information, amino acid conservation, physicochemical variation, residue mobility, and thermodynamic stability) indicates that this missense variant is not expected to disrupt LRP5 protein function with a negative predictive value of 95%. In summary, the available evidence is currently insufficient to determine the role of this variant in disease. Therefore, it has been classified as a Variant of Uncertain Significance.

Blueprint Genetics
Classification: Uncertain significance. Last evaluated: 2024-11-27. Review status: criteria provided, single submitter. Criteria: ACMG Guidelines, 2015. Collection method: clinical testing. Allele origin: germline.

Ambry Genetics
Classification: Uncertain significance for Inborn genetic diseases. Last evaluated: 2023-10-10. Review status: criteria provided, single submitter. Criteria: Ambry Variant Classification Scheme 2023. Collection method: clinical testing. Allele origin: germline.

Fulgent Genetics
Classification: Uncertain significance for Exudative vitreoretinopathy 1; Worth disease; Osteoporosis; Osteoporosis with pseudoglioma; Exudative vitreoretinopathy 4; Bone mineral density quantitative trait locus 1; Autosomal dominant osteopetrosis 1; Polycystic liver disease 4 with or without kidney cysts. Last evaluated: 2022-03-04. Review status: criteria provided, single submitter. Criteria: ACMG Guidelines, 2015. Collection method: clinical testing. Allele origin: unknown.

PreventionGenetics, part of Exact Sciences
Classification: Uncertain significance for LRP5-related condition. Last evaluated: 2024-08-27. Review status: no assertion criteria provided. Collection method: clinical testing. Allele origin: germline. Not counted in ClinVar's aggregate classification.
Comment: The LRP5 c.4226G>A variant is predicted to result in the amino acid substitution p.Arg1409His. To our knowledge, this variant has not been reported in the literature. This variant is reported in 0.0033% of alleles in individuals of South Asian descent in gnomAD. At this time, the clinical significance of this variant is uncertain due to the absence of conclusive functional and genetic evidence.